The following is an entry in ClinVar:

ClinVar aggregate classification (germline): Uncertain significance (1 of 4 stars; one submission).

Conditions:
Brugada syndrome. Also called: Sudden unexplained nocturnal death syndrome; Sudden unexpected nocturnal death syndrome; Sudden Unexplained Death Syndrome; Sudden Unexplained Nocturnal Death Syndrome (SUNDS). Identifiers: Orphanet 130, MedGen C1142166, MONDO:0015263.

Submission:

Labcorp Genetics (formerly Invitae), Labcorp
Classification: Uncertain significance for Brugada syndrome. Last evaluated: 2025-09-01. Review status: criteria provided, single submitter. Criteria: Invitae Variant Classification Sherloc (09022015). Collection method: clinical testing. Allele origin: germline.
Comment: This sequence change replaces lysine, which is basic and polar, with asparagine, which is neutral and polar, at codon 1860 of the SCN10A protein (p.Lys1860Asn). This variant is present in population databases (rs774853006, gnomAD 0.003%). This variant has not been reported in the literature in individuals affected with SCN10A-related conditions. Invitae Evidence Modeling of protein sequence and biophysical properties (such as structural, functional, and spatial information, amino acid conservation, physicochemical variation, residue mobility, and thermodynamic stability) indicates that this missense variant is not expected to disrupt SCN10A protein function with a negative predictive value of 80%. In summary, the available evidence is currently insufficient to determine the role of this variant in disease. Therefore, it has been classified as a Variant of Uncertain Significance.

NM_006514.4(SCN10A):c.5580G>T (p.Lys1860Asn)

Gene: SCN10A (sodium voltage-gated channel alpha subunit 10; minus strand). Cytogenetic location: 3p22.2.
Variant type: single nucleotide variant.
Coding change: c.5580G>T on transcript NM_006514.4 (MANE Select); coding-DNA position 5580, G replaced by T.
Protein change: p.Lys1860Asn; replaces lysine 1860 with asparagine.
Molecular consequence: missense variant.
Genome position (GRCh38, 1-based): chr3:38,697,640, C>A on the plus strand (G>T on the coding strand, the complement: SCN10A is on the minus strand). VCF-style: chr3-38697640-C-A. GRCh37 (hg19) VCF-style: chr3-38739131-C-A.
Other names: c.5577G>T, p.Lys1859Asn (NM_001293306.2); c.5286G>T, p.Lys1762Asn (NM_001293307.2); short protein forms K1859N, K1762N, K1860N.
Identifiers: ClinVar variation 4714285 (VCV004714285.1).